The following is an entry in ClinVar:

ClinVar aggregate classification (germline): Uncertain significance (1 of 4 stars; one submission).

Conditions:
Fanconi anemia (FA). Also called: Fanconi's anemia. Identifiers: Orphanet 84, MedGen C0015625, MeSH D005199, MONDO:0019391.

Submission:

Labcorp Genetics (formerly Invitae), Labcorp
Classification: Uncertain significance for Fanconi anemia. Last evaluated: 2022-01-12. Review status: criteria provided, single submitter. Criteria: Invitae Variant Classification Sherloc (09022015). Collection method: clinical testing. Allele origin: germline.
Comment: Algorithms developed to predict the effect of missense changes on protein structure and function are either unavailable or do not agree on the potential impact of this missense change (SIFT: "Deleterious"; PolyPhen-2: "Possibly Damaging"; Align-GVGD: "Class C0"). In summary, the available evidence is currently insufficient to determine the role of this variant in disease. Therefore, it has been classified as a Variant of Uncertain Significance. This variant is not present in population databases (gnomAD no frequency). This variant has not been reported in the literature in individuals affected with SLX4-related conditions. This sequence change replaces glutamic acid, which is acidic and polar, with glutamine, which is neutral and polar, at codon 1148 of the SLX4 protein (p.Glu1148Gln).

NM_032444.4(SLX4):c.3442G>C (p.Glu1148Gln)

Gene: SLX4 (SLX4 structure-specific endonuclease subunit; minus strand). Cytogenetic location: 16p13.3.
Variant type: single nucleotide variant.
Coding change: c.3442G>C on transcript NM_032444.4 (MANE Select); coding-DNA position 3442, G replaced by C.
Protein change: p.Glu1148Gln; replaces glutamic acid 1148 with glutamine.
Molecular consequence: missense variant.
Genome position (GRCh38, 1-based): chr16:3,590,196, C>G on the plus strand (G>C on the coding strand, the complement: SLX4 is on the minus strand). VCF-style: chr16-3590196-C-G. GRCh37 (hg19) VCF-style: chr16-3640197-C-G.
Other names: short protein forms E1148Q.
Identifiers: ClinVar variation 2081501 (VCV002081501.4), dbSNP rs943044390, ClinGen allele CA394520130.
Genomic context (GRCh38, chr16:3,590,196, plus strand): 5'-TTTTGGTTTGTTCTAGCTCCAGCTCCTCATCCGAGTCCAGTAAGAGGATGACCTCATCTT[C>G]TTCGTTCAGTTTGGATGAAGATTTCTGAGATCTGGAGCTCGAATGGTCAGGATTTGACTG-3'
Protein context (NP_115820.2, residues 1138-1158): SQKSSSKLNE[Glu1148Gln]DEVILLLDSD